The following is an entry in ClinVar:

ClinVar aggregate classification (germline): Pathogenic/Likely pathogenic. Review status: criteria provided, multiple submitters, no conflicts (2 of 4 stars). 2 submissions from 2 submitters: Pathogenic (1); Likely pathogenic (1). Last evaluated 2023-10-17.

Submissions (2):

Labcorp Genetics (formerly Invitae), Labcorp
Classification: Pathogenic. Last evaluated: 2023-10-17. Review status: criteria provided, single submitter. Criteria: Invitae Variant Classification Sherloc (09022015). Collection method: clinical testing. Allele origin: germline.
Comment: This sequence change creates a premature translational stop signal (p.Val186*) in the MYO3A gene. It is expected to result in an absent or disrupted protein product. Loss-of-function variants in MYO3A are known to be pathogenic (PMID: 12032315, 23990876). This variant is not present in population databases (gnomAD no frequency). This variant has not been reported in the literature in individuals affected with MYO3A-related conditions. ClinVar contains an entry for this variant (Variation ID: 631631). For these reasons, this variant has been classified as Pathogenic.

GeneDx
Classification: Likely pathogenic. Last evaluated: 2023-01-09. Review status: criteria provided, single submitter. Criteria: GeneDx Variant Classification Process June 2021. Collection method: clinical testing. Allele origin: germline. Affected: yes.
Comment: Nonsense variant predicted to result in protein truncation or nonsense mediated decay in a gene for which loss-of-function is a known mechanism of disease; Not observed at a significant frequency in large population cohorts (gnomAD); Has not been previously published as pathogenic or benign to our knowledge

Literature cited by the submitters: PubMed 12032315 (cited by Labcorp Genetics (formerly Invitae), Labcorp); PubMed 23990876 (cited by Labcorp Genetics (formerly Invitae), Labcorp).

NM_017433.5(MYO3A):c.555del (p.Ser185_Val186insTer)

Gene: MYO3A (myosin IIIA; plus strand). Cytogenetic location: 10p12.1.
Variant type: Deletion.
Coding change: c.555del on transcript NM_017433.5 (MANE Select); coding-DNA position 555, one base deleted (C; older notation c.555delC).
Protein change: p.Ser185_Val186insTer.
Molecular consequence: frameshift variant.
Genome position (GRCh38, 1-based): chr10:26,016,866, C deleted; the last of 2 consecutive C bases (chr10:26,016,865-26,016,866); deleting either gives the same sequence. VCF-style (leftmost placement, unchanged base first): chr10-26016864-TC-T. GRCh37 (hg19) VCF-style: chr10-26305793-TC-T.
Other names: c.555del, p.Ser185_Val186insTer (NM_001368265.1).
Identifiers: ClinVar variation 631631 (VCV000631631.8), dbSNP rs773432148, ClinGen allele CA5444353.